The following is an entry in ClinVar:

NC_000001.11:g.5948252del

Gene: NPHP4 (nephrocystin 4; minus strand). Cytogenetic location: 1p36.31.
Variant type: Deletion.
Genome position: GRCh38 VCF-style: chr1-5948249-TC-T. GRCh37 (hg19) VCF-style: chr1-6008309-TC-T.
Identifiers: ClinVar variation 3652570 (VCV003652570.2).
Genomic context (GRCh38, chr1:5,948,249, plus strand): 5'-CACGCCCACACGCAGGCGCCGCTCCAGGATCTCCAGGGCACCACCGTCCAGTGGGCCACA[TC>T]CCTGGAAGAGGCACAGAAGGAATGAGCCCCGGCACAGACGGAAAGAGGGAGCTCGCCAGA-3'

ClinVar aggregate classification (germline): Pathogenic (1 of 4 stars; one submission).

Conditions:
Nephronophthisis. Also called: Juvenile Nephronophthisis. Identifiers: Orphanet 655, MedGen C0687120, MONDO:0019005, HP:0000090.

Submission:

Labcorp Genetics (formerly Invitae), Labcorp
Classification: Pathogenic for Nephronophthisis. Last evaluated: 2024-05-07. Review status: criteria provided, single submitter. Criteria: Invitae Variant Classification Sherloc (09022015). Collection method: clinical testing. Allele origin: germline.
Comment: This sequence change creates a premature translational stop signal (p.Gly271Aspfs*44) in the NPHP4 gene. It is expected to result in an absent or disrupted protein product. Loss-of-function variants in NPHP4 are known to be pathogenic (PMID: 12205563, 23559409). This variant is not present in population databases (gnomAD no frequency). This variant has not been reported in the literature in individuals affected with NPHP4-related conditions. For these reasons, this variant has been classified as Pathogenic.

Literature cited by the submitters: PubMed 12205563; PubMed 23559409.